The following is an entry in ClinVar:

ClinVar aggregate classification (germline): Likely benign (1 of 4 stars; one submission).

Allele frequency attached by ClinVar (database versions not stated): gnomAD 0.00006; TOPMed 0.00006.
gnomAD v4.1: 47 of 1,112,860 alleles (0.0042%); highest among the groups gnomAD compares: African/African-American, 0.005%; no homozygotes.

Submission:

CeGaT Center for Human Genetics Tuebingen
Classification: Likely benign. Last evaluated: 2023-11-01. Review status: criteria provided, single submitter. Criteria: CeGaT Center For Human Genetics Tuebingen Variant Classification Criteria Version 2. Collection method: clinical testing. Allele origin: germline. Affected: yes. Observed: 1 variant allele.
Comment: FGF2: BP4, BP7

NM_001361665.2(FGF2):c.-109C>G

Genes: FGF2 (fibroblast growth factor 2; plus strand), LOC109113863 (FGF2 promoter region; plus strand). Cytogenetic location: 4q28.1.
Variant type: single nucleotide variant.
Coding change: c.-109C>G on transcript NM_001361665.2 (MANE Select); 109 bases upstream of the start codon, C replaced by G.
Molecular consequence: 5 prime UTR variant. On other transcripts: synonymous variant (1).
Genome position (GRCh38, 1-based): chr4:122,827,066, C>G. VCF-style: chr4-122827066-C-G. GRCh37 (hg19) VCF-style: chr4-123748221-C-G.
Other names: c.291C>G, p.Gly97= (NM_002006.6).
Identifiers: ClinVar variation 2672998 (VCV002672998.23), dbSNP rs1237385877, ClinGen allele CA441377388.